The following is an entry in ClinVar:

ClinVar aggregate classification (germline): Likely benign. Review status: criteria provided, multiple submitters, no conflicts (2 of 4 stars). 2 submissions from 2 submitters: Likely benign (2). Last evaluated 2024-11-04.

Conditions:
Alpha thalassemia-X-linked intellectual disability syndrome (ATRX). Also called: X-linked alpha-thalassemia-mental retardation syndrome; ALPHA-THALASSEMIA/MENTAL RETARDATION SYNDROME, X-LINKED; ATR, NONDELETION TYPE; ATR-X syndrome; Alpha thalassemia mental retardation syndrome, nondeletion type, X-linked; XLMR hypotonic face syndrome. Identifiers: Orphanet 847, MedGen C1845055, MONDO:0010519, OMIM 301040.

Allele frequency attached by ClinVar (database versions not stated): gnomAD exomes 0.00001 and 0.00002; TOPMed 0.00001; ExAC 0.00002; gnomAD 0.00001.
gnomAD v4.1: 9 of 1,209,503 alleles (0.00074%); highest among the groups gnomAD compares: South Asian, 0.012%; 1 homozygote.

Submissions (2):

Women's Health and Genetics/Laboratory Corporation of America, LabCorp
Classification: Likely benign. Last evaluated: 2024-11-04. Review status: criteria provided, single submitter. Criteria: LabCorp Variant Classification Summary - May 2015. Collection method: clinical testing. Allele origin: germline.
Comment: Variant summary: ATRX c.7421G>A (p.Arg2474His) results in a non-conservative amino acid change in the encoded protein sequence. Four of five in-silico tools predict a damaging effect of the variant on protein function. The variant allele was found at a frequency of 7.4e-06 in 1209503 control chromosomes in the gnomAD database, including 1 homozygotes and 4 hemizygotes, a finding inconsistent with the early onset and severe nature of ATRX-related conditions. To our knowledge, no occurrence of c.7421G>A in individuals affected with ATR-X Syndrome and no experimental evidence demonstrating its impact on protein function have been reported. ClinVar contains an entry for this variant (Variation ID: 1636796). Based on the evidence outlined above, the variant was classified as likely benign.

Labcorp Genetics (formerly Invitae), Labcorp
Classification: Likely benign for Alpha thalassemia-X-linked intellectual disability syndrome. Last evaluated: 2024-02-16. Review status: criteria provided, single submitter. Criteria: Invitae Variant Classification Sherloc (09022015). Collection method: clinical testing. Allele origin: germline.

NM_000489.6(ATRX):c.7421G>A (p.Arg2474His)

Gene: ATRX (ATRX chromatin remodeler; minus strand). Cytogenetic location: Xq21.1.
Variant type: single nucleotide variant.
Coding change: c.7421G>A on transcript NM_000489.6 (MANE Select); coding-DNA position 7421, G replaced by A.
Protein change: p.Arg2474His; replaces arginine 2474 with histidine.
Molecular consequence: missense variant.
Genome position (GRCh38, 1-based): chrX:77,508,409, C>T on the plus strand (G>A on the coding strand, the complement: ATRX is on the minus strand). VCF-style: chrX-77508409-C-T. GRCh37 (hg19) VCF-style: chrX-76763887-C-T.
Other names: c.7307G>A, p.Arg2436His (NM_138270.5); short protein forms R2436H, R2474H.
Identifiers: ClinVar variation 1636796 (VCV001636796.9), dbSNP rs781835425, ClinGen allele CA10457379.